The following is an entry in ClinVar:

NM_000255.4(MMUT):c.1843C>A (p.Pro615Thr)

Gene: MMUT (methylmalonyl-CoA mutase; minus strand). Cytogenetic location: 6p12.3.
Variant type: single nucleotide variant.
Coding change: c.1843C>A on transcript NM_000255.4 (MANE Select); coding-DNA position 1843, C replaced by A.
Protein change: p.Pro615Thr; replaces proline 615 with threonine.
Molecular consequence: missense variant.
Genome position (GRCh38, 1-based): chr6:49,440,319, G>T on the plus strand (C>A on the coding strand, the complement: MMUT is on the minus strand). VCF-style: chr6-49440319-G-T. GRCh37 (hg19) VCF-style: chr6-49408032-G-T.
Other names: c.1843C>A (NM_000255.3); short protein forms P615T.
Identifiers: ClinVar variation 1685951 (VCV001685951.36), dbSNP rs1302409621, ClinGen allele CA364395330.
Genomic context (GRCh38, chr6:49,440,319, plus strand): 5'-CAATAACTTTTGCTCCTCTGTCATGGCCATCTTGTCCCATTTTTGCTACAAGAAGACGAG[G>T]TCTGCGACCTTCACGTTCCATGAATTTATGAACCCTGAAAAACATTTAAAAATATATCAG-3'
Protein context (NP_000246.2, residues 605-625): HKFMEREGRR[Pro615Thr]RLLVAKMGQD

ClinVar aggregate classification (germline): Pathogenic. Review status: criteria provided, multiple submitters, no conflicts (2 of 4 stars). 7 submissions from 7 submitters: Pathogenic (7). Last evaluated 2026-02-19.

Conditions:
Methylmalonic aciduria due to complete methylmalonyl-CoA mutase deficiency.
Methylmalonic aciduria due to methylmalonyl-CoA mutase deficiency (MAMM). Also called: Methylmalonic aciduria, mut type. Identifiers: Orphanet 27, MedGen C1855114, MONDO:0009612, OMIM 251000.

Allele frequency attached by ClinVar (database versions not stated): gnomAD exomes below 0.00001; gnomAD 0.00001.

Submissions (7):

Institute of Human Genetics, University of Leipzig Medical Center
Classification: Pathogenic for Methylmalonic aciduria due to methylmalonyl-CoA mutase deficiency. Last evaluated: 2026-02-19. Review status: criteria provided, single submitter. Criteria: ACMG Guidelines, 2015. Collection method: clinical testing. Allele origin: maternal. Inheritance: Autosomal recessive inheritance. Affected: yes.
Comment: Criteria applied: PM3_STR,PM5_STR,PM1,PM2,PP3,PP4; Identified as compund heterozygous with NM_000255.4:c.360dup

3billion
Classification: Pathogenic for Methylmalonic aciduria due to methylmalonyl-CoA mutase deficiency. Last evaluated: 2025-10-10. Review status: criteria provided, single submitter. Criteria: ACMG Guidelines, 2015. Collection method: clinical testing. Allele origin: germline. Affected: yes.
Comment: The variant is observed at an extremely low frequency in the gnomAD v4.1.0 dataset (total allele frequency: <0.001%). Predicted Consequence/Location: Missense variant In silico tool predictions suggest damaging effect of the variant on gene or gene product [REVEL: 0.97 (>=0.6, sensitivity 0.68 and specificity 0.92); 3Cnet: 0.98 (> 0.75, sensitivity 0.96 and precision 0.92)]. The same nucleotide change resulting in the same amino acid change has been previously reported as pathogenic/likely pathogenic with strong evidence (ClinVar ID: VCV001685951 /PMID: 12402345). Different missense changes at the same codon (p.Pro615Arg, p.Pro615Leu) have been reported as pathogenic/likely pathogenic with strong evidence (ClinVar ID: VCV001459268 /PMID: 16281286, 16435223). Therefore, this variant is classified as Pathogenic according to the recommendation of ACMG/AMP guideline.

Natera, Inc.
Classification: Pathogenic for Methylmalonic aciduria due to complete methylmalonyl-CoA mutase deficiency. Last evaluated: 2024-09-14. Review status: criteria provided, single submitter. Criteria: Natera Variant Classification Schema (03/2026). Collection method: clinical testing. Allele origin: germline.
Comment: The c.1843C>A variant in MMUT is a missense variant predicted to cause substitution of proline to threonine at amino acid 615. This variant is rare in the general population with a frequency below the threshold expected for the associated phenotype(s). This variant has been observed in one or more individuals affected with the associated recessive disease, as either homozygous or compound heterozygous with a second variant (PMID: 22727635). Given the available evidence, this variant is classified as Pathogenic.

Labcorp Genetics (formerly Invitae), Labcorp
Classification: Pathogenic. Last evaluated: 2023-10-15. Review status: criteria provided, single submitter. Criteria: Invitae Variant Classification Sherloc (09022015). Collection method: clinical testing. Allele origin: germline.
Comment: This sequence change replaces proline, which is neutral and non-polar, with threonine, which is neutral and polar, at codon 615 of the MUT protein (p.Pro615Thr). This variant is present in population databases (no rsID available, gnomAD 0.0009%). This missense change has been observed in individual(s) with methylmalonic aciduria (PMID: 12402345, 15643616, 22727635, 32754920). This variant is also known as c1919C>A(P615T). ClinVar contains an entry for this variant (Variation ID: 1685951). Advanced modeling of protein sequence and biophysical properties (such as structural, functional, and spatial information, amino acid conservation, physicochemical variation, residue mobility, and thermodynamic stability) performed at Invitae indicates that this missense variant is expected to disrupt MUT protein function. Experimental studies have shown that this missense change affects MUT function (PMID: 25125334). This variant disrupts the p.Pro615 amino acid residue in MUT. Other variant(s) that disrupt this residue have been determined to be pathogenic (PMID: 16435223, 22727635, 25125334, 27167370). This suggests that this residue is clinically significant, and that variants that disrupt this residue are likely to be disease-causing. For these reasons, this variant has been classified as Pathogenic.

CeGaT Center for Human Genetics Tuebingen
Classification: Pathogenic. Last evaluated: 2023-06-01. Review status: criteria provided, single submitter. Criteria: CeGaT Center For Human Genetics Tuebingen Variant Classification Criteria Version 2. Collection method: clinical testing. Allele origin: germline. Affected: yes. Observed: 1 variant allele.
Comment: MMUT: PM3:Strong, PM1, PM2, PP4:Moderate, PP3, PS3:Supporting

Mendelics
Classification: Pathogenic for Methylmalonic aciduria due to methylmalonyl-CoA mutase deficiency. Last evaluated: 2022-05-04. Review status: criteria provided, single submitter. Criteria: Mendelics Assertion Criteria 2019. Collection method: clinical testing. Allele origin: germline.

Kariminejad - Najmabadi Pathology & Genetics Center
Classification: Pathogenic for Methylmalonic aciduria due to methylmalonyl-CoA mutase deficiency. Review status: criteria provided, single submitter. Criteria: ACMG Guidelines, 2015. Collection method: clinical testing. Allele origin: germline. Affected: no.

Literature cited by the submitters: PubMed 16281286 (cited by 3billion); PubMed 12402345 (cited by 3billion and Labcorp Genetics (formerly Invitae), Labcorp); PubMed 22727635 (cited by Natera, Inc. and Labcorp Genetics (formerly Invitae), Labcorp); PubMed 15643616 (cited by Labcorp Genetics (formerly Invitae), Labcorp); PubMed 32754920 (cited by Labcorp Genetics (formerly Invitae), Labcorp); PubMed 25125334 (cited by Labcorp Genetics (formerly Invitae), Labcorp); PubMed 16435223 (cited by Labcorp Genetics (formerly Invitae), Labcorp); PubMed 27167370 (cited by Labcorp Genetics (formerly Invitae), Labcorp).